The following is an entry in ClinVar:

NM_000535.7(PMS2):c.2165G>A (p.Arg722Lys)

Gene: PMS2 (PMS1 homolog 2, mismatch repair system component; minus strand). Cytogenetic location: 7p22.1.
Variant type: single nucleotide variant.
Coding change: c.2165G>A on transcript NM_000535.7 (MANE Select); coding-DNA position 2165, G replaced by A.
Protein change: p.Arg722Lys; replaces arginine 722 with lysine.
Molecular consequence: missense variant. On other transcripts: non-coding transcript variant (1), intron variant (4).
Genome position (GRCh38, 1-based): chr7:5,982,833, C>T on the plus strand (G>A on the coding strand, the complement: PMS2 is on the minus strand). VCF-style: chr7-5982833-C-T. GRCh37 (hg19) VCF-style: chr7-6022464-C-T.
Other names: c.962G>A, p.Arg321Lys (NM_001406912.1); c.1601+3926G>A (NM_001406910.1, NM_001406908.1); c.1688+3926G>A (NM_001406903.1); c.2006+3926G>A (NM_001406872.1); c.2165G>A (NM_000535.6); c.1760G>A, p.Arg587Lys (NM_001018040.1, NM_001322003.2, NM_001322004.2 and 15 more transcripts); c.2009G>A, p.Arg670Lys (NM_001322006.2, NM_001406870.1); c.1847G>A, p.Arg616Lys (NM_001322007.2, NM_001322008.2, NM_001406876.1 and 1 more transcripts); and 17 more; short protein forms R321K, R411K, R465K, R531K, R535K, R551K, R564K, R567K.
Identifiers: ClinVar variation 2503936 (VCV002503936.1), dbSNP rs2128702299, ClinGen allele CA366737855.

ClinVar aggregate classification (germline): Uncertain significance (1 of 4 stars; one submission).

Submission:

Women's Health and Genetics/Laboratory Corporation of America, LabCorp
Classification: Uncertain significance. Last evaluated: 2023-04-10. Review status: criteria provided, single submitter. Criteria: LabCorp Variant Classification Summary - May 2015. Collection method: clinical testing. Allele origin: germline.
Comment: Variant summary: PMS2 c.2165G>A (p.Arg722Lys) results in a conservative amino acid change located in the MutL, C-terminal, dimerisation domain (IPR014790) of the encoded protein sequence. Four of five in-silico tools predict a benign effect of the variant on protein function. The variant was absent in 237182 control chromosomes (gnomAD). The available data on variant occurrences in the general population are insufficient to allow any conclusion about variant significance. To our knowledge, no occurrence of c.2165G>A in individuals affected with Lynch Syndrome and no experimental evidence demonstrating its impact on protein function have been reported. No clinical diagnostic laboratories have submitted clinical-significance assessments for this variant to ClinVar after 2014. Based on the evidence outlined above, the variant was classified as uncertain significance.